The following is an entry in ClinVar:

NM_001113378.2(FANCI):c.1118A>G (p.His373Arg)

Gene: FANCI (FA complementation group I; plus strand). Cytogenetic location: 15q26.1.
Variant type: single nucleotide variant.
Coding change: c.1118A>G on transcript NM_001113378.2 (MANE Select); coding-DNA position 1118, A replaced by G.
Protein change: p.His373Arg; replaces histidine 373 with arginine.
Molecular consequence: missense variant.
Genome position (GRCh38, 1-based): chr15:89,276,716, A>G. VCF-style: chr15-89276716-A-G. GRCh37 (hg19) VCF-style: chr15-89819947-A-G.
Other names: c.839A>G, p.His280Arg (NM_001376910.1); c.1118A>G, p.His373Arg (NM_001376911.1, NM_018193.3); short protein forms H280R, H373R.
Identifiers: ClinVar variation 1959449 (VCV001959449.3), dbSNP rs1299992454, ClinGen allele CA393741891.

ClinVar aggregate classification (germline): Uncertain significance. Review status: criteria provided, multiple submitters, no conflicts (2 of 4 stars). 2 submissions from 2 submitters: Uncertain significance (2). Last evaluated 2025-08-13.

Conditions:
Fanconi anemia (FA). Also called: Fanconi's anemia. Identifiers: Orphanet 84, MedGen C0015625, MeSH D005199, MONDO:0019391.
Inborn genetic diseases. Identifiers: MedGen C0950123, MeSH D030342.

Allele frequency attached by ClinVar (database versions not stated): gnomAD exomes below 0.00001; TOPMed 0.00001.
gnomAD v4.1: 8 of 1,614,206 alleles (0.0005%); highest among the groups gnomAD compares: East Asian, 0.0022%; no homozygotes.

Submissions (2):

Ambry Genetics
Classification: Uncertain significance for Inborn genetic diseases. Last evaluated: 2025-08-13. Review status: criteria provided, single submitter. Criteria: Ambry Variant Classification Scheme 2023. Collection method: clinical testing. Allele origin: germline.

Labcorp Genetics (formerly Invitae), Labcorp
Classification: Uncertain significance for Fanconi anemia. Last evaluated: 2022-06-14. Review status: criteria provided, single submitter. Criteria: Invitae Variant Classification Sherloc (09022015). Collection method: clinical testing. Allele origin: germline.
Comment: This sequence change replaces histidine, which is basic and polar, with arginine, which is basic and polar, at codon 373 of the FANCI protein (p.His373Arg). This variant is present in population databases (no rsID available, gnomAD 0.0009%). This variant has not been reported in the literature in individuals affected with FANCI-related conditions. Algorithms developed to predict the effect of missense changes on protein structure and function (SIFT, PolyPhen-2, Align-GVGD) all suggest that this variant is likely to be tolerated. In summary, the available evidence is currently insufficient to determine the role of this variant in disease. Therefore, it has been classified as a Variant of Uncertain Significance.